The following is an entry in ClinVar:

ClinVar aggregate classification (germline): Uncertain significance. Review status: criteria provided, single submitter (1 of 4 stars). 2 submissions from 2 submitters: Uncertain significance (1). 1 of the submissions does not count toward it. Last evaluated 2025-10-02.

Conditions:
Familial adenomatous polyposis 1 (FAP1). Also called: POLYPOSIS, ADENOMATOUS INTESTINAL; FAMILIAL ADENOMATOUS POLYPOSIS 1, ATTENUATED. Identifiers: MedGen C2713442, MONDO:0021056, OMIM 175100. Disease mechanism: loss of function.

Allele frequency attached by ClinVar (database versions not stated): gnomAD exomes below 0.00001; TOPMed below 0.00001.
gnomAD v4.1: 1 of 1,358,904 alleles (0.000074%); no homozygotes.

Submissions (2):

Labcorp Genetics (formerly Invitae), Labcorp
Classification: Uncertain significance for Familial adenomatous polyposis 1. Last evaluated: 2025-10-02. Review status: criteria provided, single submitter. Criteria: Invitae Variant Classification Sherloc (09022015). Collection method: clinical testing. Allele origin: germline.
Comment: This variant occurs in a non-coding region of the APC gene. It does not change the encoded amino acid sequence of the APC protein. This variant is not present in population databases (gnomAD no frequency). This variant has not been reported in the literature in individuals affected with APC-related conditions. ClinVar contains an entry for this variant (Variation ID: 371827). Experimental studies and prediction algorithms are not available or were not evaluated, and the functional significance of this variant is currently unknown. In summary, the available evidence is currently insufficient to determine the role of this variant in disease. Therefore, it has been classified as a Variant of Uncertain Significance.

Counsyl
Classification: Uncertain significance for Familial adenomatous polyposis 1. Last evaluated: 2016-02-24. Review status: no assertion criteria provided. Collection method: clinical testing. Allele origin: unknown. Not counted in ClinVar's aggregate classification.

NM_001127511.3(APC):c.165+17G>T

Gene: APC (APC regulator of Wnt signaling pathway; plus strand). Cytogenetic location: 5q22.2.
Variant type: single nucleotide variant.
Coding change: c.165+17G>T on transcript NM_001127511.3; 17 bases into the intron after coding-DNA position 165, G replaced by T.
Molecular consequence: intron variant.
Genome position (GRCh38, 1-based): chr5:112,707,899, G>T. VCF-style: chr5-112707899-G-T. GRCh37 (hg19) VCF-style: chr5-112043596-G-T.
Other names: c.-1054+17G>T (NM_001407470.1, NM_001407472.1); c.-19+17G>T (NM_001407447.1, NM_001354895.2, NM_001407456.1 and 3 more transcripts); c.165+17G>T (NM_001407446.1, NM_001354897.2, NM_001354902.2); c.-19+250G>T (NM_001407448.1, NM_001407450.1, NM_001407457.1 and 1 more transcripts); c.-43+250G>T (NM_001407453.1).
Identifiers: ClinVar variation 371827 (VCV000371827.9), dbSNP rs1057517556, ClinGen allele CA16042082.
Genomic context (GRCh38, chr5:112,707,899, plus strand): 5'-CGGGCGGCGCTCGTACTTCTGGCCACTGGGCGAGCGTCTGGCAGGTGAGTGAGGCTGCAG[G>T]CATTGACGTCTCCTCCCGGCAAAGCTTCCTCGGCTTTGCCCCGCCGCTGCTCGGGACCCT-3'